The following is an entry in ClinVar:

NM_000518.5(HBB):c.316-70C>G

Genes: HBB (hemoglobin subunit beta; minus strand), LOC107133510 (origin of replication at HBB; plus strand), LOC110006319 (beta-globin gene 3' regulatory region; plus strand). Cytogenetic location: 11p15.4.
Variant type: single nucleotide variant.
Coding change: c.316-70C>G on transcript NM_000518.5 (MANE Select); 70 bases into the intron before coding-DNA position 316, C replaced by G.
Molecular consequence: intron variant.
Genome position (GRCh38, 1-based): chr11:5,225,796, G>C on the plus strand (C>G on the coding strand, the complement: HBB is on the minus strand). VCF-style: chr11-5225796-G-C. GRCh37 (hg19) VCF-style: chr11-5247026-G-C.
Other names: IVS II-781 C>G.
Identifiers: ClinVar variation 36320 (VCV000036320.26), dbSNP rs193922560, ClinGen allele CA342864.

ClinVar aggregate classification (germline): Benign/Likely benign. Review status: criteria provided, multiple submitters, no conflicts (2 of 4 stars). 5 submissions from 5 submitters: Benign (2); Likely benign (1). 2 of the submissions do not count toward it. Last evaluated 2026-02-01.

Conditions:
beta Thalassemia (BTHAL). Also called: Cooley's anemia; Erythroblastic anemia; Mediterranean anemia. Identifiers: Orphanet 848, MedGen C0005283, MONDO:0019402. Disease mechanism: loss of function.

Allele frequency attached by ClinVar (database versions not stated): 1000 Genomes Project 30x 0.00047; gnomAD 0.00099 and 0.00096; TOPMed 0.00110; 1000 Genomes Project 0.00060.
gnomAD v4.1: 264 of 1,519,948 alleles (0.017%); highest among the groups gnomAD compares: African/African-American, 0.33%; no homozygotes.

Submissions (5):

Labcorp Genetics (formerly Invitae), Labcorp
Classification: Benign. Last evaluated: 2026-02-01. Review status: criteria provided, single submitter. Criteria: Invitae Variant Classification Sherloc (09022015). Collection method: clinical testing. Allele origin: germline.

Women's Health and Genetics/Laboratory Corporation of America, LabCorp
Classification: Benign. Last evaluated: 2024-11-26. Review status: criteria provided, single submitter. Criteria: LabCorp Variant Classification Summary - May 2015. Collection method: clinical testing. Allele origin: germline.
Comment: Variant summary: HBB c.316-70C>G is located at a position not widely known to affect splicing. Consensus agreement among computation tools predict no significant impact on normal splicing. However, these predictions have yet to be confirmed by functional studies. The variant allele was found at a frequency of 0.00017 in 1513124 control chromosomes, predominantly at a frequency of 0.0033 within the African or African-American subpopulation in the gnomAD database (v4.1 dataset). This frequency is not higher than the estimated maximum for a pathogenic variant in HBB causing Hemoglobinopathy (0.011), allowing no conclusion about variant significance. The variant, c.316-70C>G (aka. IVS II-781C>G), has been reported in the literature heterozygous in individuals who had normal hematological laboratory values. In addition, in compound heterozygosity with a classical b0-thal allele (c.93-21G>A) or Hb S in two individuals, the variant did not influence their typical hematological and clinical features, i.e. these were compatible with the carrier state (Vinciguerra_2016). Additionally, a recent paper reported 15 individuals who carried c.316-70C>G in a variety of combinations with other alpha-, beta- or delta-globin gene defects, and found no influence of this sequence variant on phenotype, ultimately concluding that it is benign without thalassemic effect (Grimholt_2018). To our knowledge, no experimental evidence demonstrating an impact on protein function has been reported. The following publications have been ascertained in the context of this evaluation (PMID: 22109911, 30047296, 26635043, 30626236, 27258795, 37391652, 38406508). ClinVar contains an entry for this variant (Variation ID: 36320). Based on the evidence outlined above, the variant was classified as benign.

ARUP Laboratories, Molecular Genetics and Genomics, ARUP Laboratories
Classification: Likely benign. Last evaluated: 2019-12-12. Review status: criteria provided, single submitter. Criteria: ARUP Molecular Germline Variant Investigation Process. Collection method: clinical testing. Allele origin: germline.

Molecular Genetics Laboratory, BC Children's and BC Women's Hospitals
Classification: Likely benign for beta Thalassemia. Last evaluated: 2024-06-13. Review status: no assertion criteria provided. Criteria: ACMG Guidelines, 2015. Collection method: clinical testing. Allele origin: germline. Affected: yes. Not counted in ClinVar's aggregate classification.

The ITHANET community portal, The Cyprus Institute of Neurology and Genetics
Classification: Pathogenic for beta Thalassemia. Last evaluated: 2019-11-25. Review status: no assertion criteria provided. Collection method: curation. Allele origin: germline. Not counted in ClinVar's aggregate classification.

Literature cited by the submitters: PubMed 22109911 (cited by Women's Health and Genetics/Laboratory Corporation of America, LabCorp); PubMed 26635043 (cited by Women's Health and Genetics/Laboratory Corporation of America, LabCorp and The ITHANET community portal, The Cyprus Institute of Neurology and Genetics); PubMed 27258795 (cited by Women's Health and Genetics/Laboratory Corporation of America, LabCorp); PubMed 30047296 (cited by Women's Health and Genetics/Laboratory Corporation of America, LabCorp); PubMed 30626236 (cited by Women's Health and Genetics/Laboratory Corporation of America, LabCorp); PubMed 38406508 (cited by Women's Health and Genetics/Laboratory Corporation of America, LabCorp); PubMed 37391652 (cited by Women's Health and Genetics/Laboratory Corporation of America, LabCorp).